The following is an entry in ClinVar:

ClinVar aggregate classification (germline): Conflicting classifications of pathogenicity. Review status: criteria provided, conflicting classifications (1 of 4 stars). 5 submissions from 5 submitters: Uncertain significance (1); Benign (2); Likely benign (2). Last evaluated 2026-02-04.

Conditions:
Autosomal recessive nonsyndromic hearing loss 9. Also called: NEUROSENSORY NONSYNDROMIC RECESSIVE DEAFNESS 9; OTOF-Related Hearing Loss; Deafness, autosomal recessive 9; AUDITORY NEUROPATHY, AUTOSOMAL RECESSIVE, 1, TEMPERATURE-SENSITIVE. Identifiers: Orphanet 90636, MedGen C1832828, MONDO:0010986, OMIM 601071.

Allele frequency attached by ClinVar (database versions not stated): 1000 Genomes Project 30x 0.00078; 1000 Genomes Project 0.00100; TOPMed 0.00169; gnomAD 0.00174 and 0.00186; gnomAD exomes 0.00184 and 0.00270; ExAC 0.00189; ESP Exome Variant Server 0.00231.

Submissions (5):

Labcorp Genetics (formerly Invitae), Labcorp
Classification: Benign. Last evaluated: 2026-02-04. Review status: criteria provided, single submitter. Criteria: Invitae Variant Classification Sherloc (09022015). Collection method: clinical testing. Allele origin: germline.

Blueprint Genetics
Classification: Likely benign. Last evaluated: 2024-11-06. Review status: criteria provided, single submitter. Criteria: ACMG Guidelines, 2015. Collection method: clinical testing. Allele origin: germline.

GeneDx
Classification: Likely benign. Last evaluated: 2020-07-31. Review status: criteria provided, single submitter. Criteria: GeneDx Variant Classification Process June 2021. Collection method: clinical testing. Allele origin: germline. Affected: yes.

Illumina Laboratory Services, Illumina
Classification: Uncertain significance for Autosomal recessive nonsyndromic hearing loss 9. Last evaluated: 2018-01-13. Review status: criteria provided, single submitter. Criteria: ICSL Variant Classification Criteria 13 December 2019. Collection method: clinical testing. Allele origin: germline.

Laboratory for Molecular Medicine, Mass General Brigham Personalized Medicine
Classification: Benign. Last evaluated: 2012-04-30. Review status: criteria provided, single submitter. Criteria: LMM Criteria. Collection method: clinical testing. Allele origin: germline. Observed: 4 variant alleles.
Comment: 4800-11C>T in Intron 38 of OTOF: This variant is not expected to have clinical s ignificance because it has been identified in 0.3% (23/7020) of European America n chromosomes from a broad population by the NHLBI Exome Sequencing Project (dbSNP rs41286009).

NM_194248.3(OTOF):c.4800-11C>T

Gene: OTOF (otoferlin; minus strand). Cytogenetic location: 2p23.3.
Variant type: single nucleotide variant.
Coding change: c.4800-11C>T on transcript NM_194248.3 (MANE Select); 11 bases into the intron before coding-DNA position 4800, C replaced by T.
Molecular consequence: intron variant.
Genome position (GRCh38, 1-based): chr2:26,465,040, G>A on the plus strand (C>T on the coding strand, the complement: OTOF is on the minus strand). VCF-style: chr2-26465040-G-A. GRCh37 (hg19) VCF-style: chr2-26687908-G-A.
Other names: c.4800-11C>T (NM_001287489.2); c.2499-11C>T (NM_194323.3, NM_004802.4); c.2730-11C>T (NM_194322.3).
Identifiers: ClinVar variation 178505 (VCV000178505.19), dbSNP rs41286009, ClinGen allele CA182455.
Genomic context (GRCh38, chr2:26,465,040, plus strand): 5'-TCAGGATCTGGCTGGGCTTCATGGGGTCCCGCCAGATATTGTAGCCATGTCTGTGGGAGG[G>A]GACACACAGGCTTGGAGGGGCTGGGTGGGACTAAGCCATCCTGGATGACAGCTGGTCGTG-3'